The following is an entry in ClinVar:

ClinVar aggregate classification (germline): Pathogenic (1 of 4 stars; one submission).

Allele frequency attached by ClinVar (database versions not stated): gnomAD exomes below 0.00001 and 0.00001.

Submission:

Labcorp Genetics (formerly Invitae), Labcorp
Classification: Pathogenic. Last evaluated: 2024-04-20. Review status: criteria provided, single submitter. Criteria: Invitae Variant Classification Sherloc (09022015). Collection method: clinical testing. Allele origin: germline.
Comment: This sequence change creates a premature translational stop signal (p.Glu156Glyfs*16) in the TRIP4 gene. It is expected to result in an absent or disrupted protein product. Loss-of-function variants in TRIP4 are known to be pathogenic (PMID: 26924529, 27008887). This variant is present in population databases (no rsID available, gnomAD 0.002%). This variant has not been reported in the literature in individuals affected with TRIP4-related conditions. ClinVar contains an entry for this variant (Variation ID: 961908). For these reasons, this variant has been classified as Pathogenic.

Literature cited by the submitters: PubMed 26924529; PubMed 27008887.

NM_016213.5(TRIP4):c.462_463del (p.Glu156fs)

Gene: TRIP4 (thyroid hormone receptor interactor 4; plus strand). Cytogenetic location: 15q22.31.
Variant type: Deletion.
Coding change: c.462_463del on transcript NM_016213.5 (MANE Select); coding-DNA positions 462 to 463, 2 bases deleted (AA; older notation c.462_463delAA).
Protein change: p.Glu156fs; shifts the reading frame from glutamic acid 156.
Molecular consequence: frameshift variant. On other transcripts: 5 prime UTR variant (1), non-coding transcript variant (1).
Genome position (GRCh38, 1-based): chr15:64,397,662-64,397,663, AA deleted. VCF-style (leftmost placement, unchanged base first): chr15-64397661-CAA-C. GRCh37 (hg19) VCF-style: chr15-64689860-CAA-C.
Other names: c.-229_-228del (NM_001321924.2); short protein forms E156fs.
Identifiers: ClinVar variation 961908 (VCV000961908.7), dbSNP rs1566972371, ClinGen allele CA618956333.
Genomic context (GRCh38, chr15:64,397,661, plus strand): 5'-GATAGGCACAAGAGAACAGCAACTCCGTAAAGAAGAAGACAAAGTTTGTCAATTTATACA[CAA>C]GAGAGGGACAGGACAGGCTTGCAGTCCTGCTCCCTGGTCGTCACCCTTGTGATTGCCTGG-3'